The following is an entry in ClinVar:

ClinVar aggregate classification (germline): Uncertain significance (1 of 4 stars; one submission).

Conditions:
Ataxia-telangiectasia syndrome (AT). Also called: Cerebello-oculocutaneous telangiectasia; Immunodeficiency with ataxia telangiectasia; AT, COMPLEMENTATION GROUP C; Ataxia-telangiectasia, complementation group E; LOUIS-BAR SYNDROME; ATAXIA-TELANGIECTASIA, COMPLEMENTATION GROUP A. Identifiers: Orphanet 100, MedGen C0004135, MONDO:0008840, OMIM 208900.

Submission:

Labcorp Genetics (formerly Invitae), Labcorp
Classification: Uncertain significance for Ataxia-telangiectasia syndrome. Last evaluated: 2021-11-06. Review status: criteria provided, single submitter. Criteria: Invitae Variant Classification Sherloc (09022015). Collection method: clinical testing. Allele origin: germline.
Comment: In summary, the available evidence is currently insufficient to determine the role of this variant in disease. Therefore, it has been classified as a Variant of Uncertain Significance. Advanced modeling of protein sequence and biophysical properties (such as structural, functional, and spatial information, amino acid conservation, physicochemical variation, residue mobility, and thermodynamic stability) performed at Invitae indicates that this missense variant is not expected to disrupt ATM protein function. This variant has not been reported in the literature in individuals affected with ATM-related conditions. This variant is not present in population databases (gnomAD no frequency). This sequence change replaces valine, which is neutral and non-polar, with isoleucine, which is neutral and non-polar, at codon 866 of the ATM protein (p.Val866Ile).

NM_000051.4(ATM):c.2596G>A (p.Val866Ile)

Gene: ATM (ATM serine/threonine kinase; plus strand). Cytogenetic location: 11q22.3.
Variant type: single nucleotide variant.
Coding change: c.2596G>A on transcript NM_000051.4 (MANE Select); coding-DNA position 2596, G replaced by A.
Protein change: p.Val866Ile; replaces valine 866 with isoleucine.
Molecular consequence: missense variant.
Genome position (GRCh38, 1-based): chr11:108,267,300, G>A. VCF-style: chr11-108267300-G-A. GRCh37 (hg19) VCF-style: chr11-108138027-G-A.
Other names: c.2596G>A, p.Val866Ile (NM_001351834.2); short protein forms V866I.
Identifiers: ClinVar variation 1369376 (VCV001369376.6), dbSNP rs2135508700, ClinGen allele CA382544069.